The following is an entry in ClinVar:

ClinVar aggregate classification (germline): Uncertain significance (1 of 4 stars; one submission).

Conditions:
Alpha-N-acetylgalactosaminidase deficiency type 1. Also called: SCHINDLER DISEASE, TYPE I; ALPHA-N-ACETYLGALACTOSAMINIDASE DEFICIENCY, TYPE I; NAGA DEFICIENCY, TYPE I; NEUROAXONAL DYSTROPHY, SCHINDLER TYPE. Identifiers: Orphanet 3137, Orphanet 79279, Orphanet 79281, MedGen C1836544, MONDO:0012221, OMIM 609241.

Submission:

Labcorp Genetics (formerly Invitae), Labcorp
Classification: Uncertain significance for Alpha-N-acetylgalactosaminidase deficiency type 1. Last evaluated: 2018-01-12. Review status: criteria provided, single submitter. Criteria: Invitae Variant Classification Sherloc (09022015). Collection method: clinical testing. Allele origin: germline.
Comment: In summary, the available evidence is currently insufficient to determine the role of this variant in disease. Therefore, it has been classified as a Variant of Uncertain Significance. Experimental studies and prediction algorithms are not available for this variant, and the functional significance of the disrupted amino acids is currently unknown. This variant has not been reported in the literature in individuals with NAGA-related disease. This variant is not present in population databases (ExAC no frequency). This sequence change inserts Alu retrotransposon in exon 9 of the NAGA mRNA (c.1224_1225ins154), causing a frameshift at codon 408 (p.Met408fs). The exact size and sequence of the insertion cannot be determined by the current assay. However, the insertion is expected to result in an absent or disrupted protein product.

NM_000262.3(NAGA):c.1224_1225insGGCCGGGCGCGGTGGCTCACGCCTGTAATCCCAGCACTTTGGGAGGCCGAGGCGGGCGGATCACGAGGTCAGGAGATCGAGACCACGGTGAAACNNNNNNNNNNNNNNNAAAAAAAAAAAAAAAAAAAAAAAAAAAAAAAAAAACCTGGAGATG (p.Ser409fs)

Gene: NAGA (alpha-N-acetylgalactosaminidase; minus strand). Cytogenetic location: 22q13.2.
Variant type: Insertion.
Coding change: c.1224_1225insGGCCGGGCGCGGTGGCTCACGCCTGTAATCCCAGCACTTTGGGAGGCCGAGGCGGGCGGATCACGAGGTCAGGAGATCGAGACCACGGTGAAACNNNNNNNNNNNNNNNAAAAAAAAAAAAAAAAAAAAAAAAAAAAAAAAAAACCTGGAGATG on transcript NM_000262.3 (MANE Select); coding-DNA positions 1224 to 1225, GGCCGGGCGCGGTGGCTCACGCCTGTAATCCCAGCACTTTGGGAGGCCGAGGCGGGCGGATCACGAGGTCAGGAGATCGAGACCACGGTGAAACNNNNNNNNNNNNNNNAAAAAAAAAAAAAAAAAAAAAAAAAAAAAAAAAAACCTGGAGATG inserted.
Protein change: p.Ser409fs; shifts the reading frame from serine 409.
Molecular consequence: frameshift variant.
Genome position: GRCh38: chr22:42,060,302-42,060,303. GRCh37 (hg19): chr22:42,456,306-42,456,307.
Other names: c.1224_1225insGGCCGGGCGCGGTGGCTCACGCCTGTAATCCCAGCACTTTGGGAGGCCGAGGCGGGCGGATCACGAGGTCAGGAGATCGAGACCACGGTGAAACNNNNNNNNNNNNNNNAAAAAAAAAAAAAAAAAAAAAAAAAAAAAAAAAAACCTGGAGATG, p.Ser409fs (NM_001362848.1, NM_001362850.1); short protein forms S409fs.
Identifiers: ClinVar variation 1016714 (VCV001016714.8), dbSNP rs1926286045.